The following is an entry in ClinVar:

NM_002191.4(INHA):c.207C>T (p.His69=)

Gene: INHA (inhibin subunit alpha; plus strand). Cytogenetic location: 2q35.
Variant type: single nucleotide variant.
Coding change: c.207C>T on transcript NM_002191.4 (MANE Select); coding-DNA position 207, C replaced by T.
Protein change: p.His69=; no amino-acid change (histidine 69 retained).
Molecular consequence: synonymous variant.
Genome position (GRCh38, 1-based): chr2:219,572,581, C>T. VCF-style: chr2-219572581-C-T. GRCh37 (hg19) VCF-style: chr2-220437303-C-T.
Identifiers: ClinVar variation 3057198 (VCV003057198.2), dbSNP rs371366906, ClinGen allele CA2131923.

ClinVar aggregate classification (germline): Likely benign (0 of 4 stars; one submission).

Conditions:
INHA-related disorder. Also called: INHA-related condition.

Allele frequency attached by ClinVar (database versions not stated): ExAC 0.00033; TOPMed 0.00045; ESP Exome Variant Server 0.00047; gnomAD 0.00048; gnomAD exomes 0.00094.

Submission:

PreventionGenetics, part of Exact Sciences
Classification: Likely benign for INHA-related condition. Last evaluated: 2019-05-01. Review status: no assertion criteria provided. Collection method: clinical testing. Allele origin: germline.
Comment: This variant is classified as likely benign based on ACMG/AMP sequence variant interpretation guidelines (Richards et al. 2015 PMID: 25741868, with internal and published modifications).